The following is an entry in ClinVar:

ClinVar aggregate classification (germline): Uncertain significance (1 of 4 stars; one submission).

gnomAD v4.1: 5 of 1,612,996 alleles (0.00031%); highest among the groups gnomAD compares: Non-Finnish European, 0.00034%; no homozygotes.

Submission:

GeneDx
Classification: Uncertain significance. Last evaluated: 2023-09-01. Review status: criteria provided, single submitter. Criteria: GeneDx Variant Classification Process June 2021. Collection method: clinical testing. Allele origin: germline. Affected: yes.
Comment: Not observed at significant frequency in large population cohorts (gnomAD); Nonsense variant predicted to result in protein truncation or nonsense mediated decay in a gene or region of a gene for which loss of function is not a well-established mechanism of disease; Has not been previously published as pathogenic or benign to our knowledge; This variant is associated with the following publications: (PMID: 23975875)

NM_001267550.2(TTN):c.1915C>T (p.Gln639Ter)

Gene: TTN (titin; minus strand). Cytogenetic location: 2q31.2.
Variant type: single nucleotide variant.
Coding change: c.1915C>T on transcript NM_001267550.2 (MANE Select); coding-DNA position 1915, C replaced by T.
Protein change: p.Gln639Ter; replaces glutamine 639 with a stop codon.
Molecular consequence: nonsense.
Genome position (GRCh38, 1-based): chr2:178,790,001, G>A on the plus strand (C>T on the coding strand, the complement: TTN is on the minus strand). VCF-style: chr2-178790001-G-A. GRCh37 (hg19) VCF-style: chr2-179654728-G-A.
Other names: c.1915C>T, p.Gln639Ter (NM_001256850.1, NM_133378.4, NM_133379.5); c.1777C>T, p.Gln593Ter (NM_133437.4, NM_003319.4, NM_133432.3); c.1915C>T (NM_001267550.1); short protein forms Q639*, Q593*.
Identifiers: ClinVar variation 451885 (VCV000451885.6), dbSNP rs1554028413, ClinGen allele CA349506453.
Genomic context (GRCh38, chr2:178,790,001, plus strand): 5'-AAGATGAACTTTTCACAGCTCAAATATCTGTATTCACCTTCTCCTGAGTTATTTGCACTT[G>A]TTCTCTTTTGGTAGTAATGCCTTCTCTACCTCTTGATACTAAATCTTGTTCTTTGACTTT-3'